The following is an entry in ClinVar:

ClinVar aggregate classification (germline): Likely benign. Review status: criteria provided, multiple submitters, no conflicts (2 of 4 stars). 4 submissions from 4 submitters: Likely benign (4). Last evaluated 2026-01-25.

Conditions:
MYO15A-related disorder. Also called: MYO15A-related condition.

Allele frequency attached by ClinVar (database versions not stated): gnomAD exomes 0.00010 and 0.00025; ExAC 0.00033; gnomAD 0.00097 and 0.00107; 1000 Genomes Project 0.00100; TOPMed 0.00104; 1000 Genomes Project 30x 0.00109; ESP Exome Variant Server 0.00160.
gnomAD v4.1: 292 of 1,614,028 alleles (0.018%); highest among the groups gnomAD compares: African/African-American, 0.36%; no homozygotes.

Submissions (4):

Labcorp Genetics (formerly Invitae), Labcorp
Classification: Likely benign. Last evaluated: 2026-01-25. Review status: criteria provided, single submitter. Criteria: Invitae Variant Classification Sherloc (09022015). Collection method: clinical testing. Allele origin: germline.

PreventionGenetics, part of Exact Sciences
Classification: Likely benign for MYO15A-related condition. Last evaluated: 2024-10-17. Review status: criteria provided, single submitter. Criteria: ACMG Guidelines, 2015. Collection method: clinical testing. Allele origin: germline.
Comment: This variant is classified as likely benign based on ACMG/AMP sequence variant interpretation guidelines (Richards et al. 2015 PMID: 25741868, with internal and published modifications).

Blueprint Genetics
Classification: Likely benign. Last evaluated: 2024-04-08. Review status: criteria provided, single submitter. Criteria: ACMG Guidelines, 2015. Collection method: clinical testing. Allele origin: germline.

Breakthrough Genomics
Classification: Likely benign. Review status: criteria provided, single submitter. Criteria: ACMG Guidelines, 2015. Collection method: not provided. Allele origin: germline. Inheritance: Autosomal recessive inheritance. Affected: yes.

NM_016239.4(MYO15A):c.7202A>G (p.Tyr2401Cys)

Gene: MYO15A (myosin XVA; plus strand). Cytogenetic location: 17p11.2.
Variant type: single nucleotide variant.
Coding change: c.7202A>G on transcript NM_016239.4 (MANE Select); coding-DNA position 7202, A replaced by G.
Protein change: p.Tyr2401Cys; replaces tyrosine 2401 with cysteine.
Molecular consequence: missense variant.
Genome position (GRCh38, 1-based): chr17:18,149,570, A>G. VCF-style: chr17-18149570-A-G. GRCh37 (hg19) VCF-style: chr17-18052884-A-G.
Other names: short protein forms Y2401C.
Identifiers: ClinVar variation 735535 (VCV000735535.11), dbSNP rs200715285, ClinGen allele CA8424760.